The following is an entry in ClinVar:

NM_001904.4(CTNNB1):c.2244_2247dup (p.Val750fs)

Gene: CTNNB1 (catenin beta 1; plus strand). Cytogenetic location: 3p22.1.
Variant type: Duplication.
Coding change: c.2244_2247dup on transcript NM_001904.4 (MANE Select); coding-DNA positions 2244 to 2247, 4 bases duplicated (TCCA; older notation c.2244_2247dupTCCA).
Protein change: p.Val750fs; shifts the reading frame from valine 750.
Molecular consequence: frameshift variant.
Genome position (GRCh38, 1-based): chr3:41,239,240-41,239,243, TCCA duplicated; duplicating any 4 consecutive bases within chr3:41,239,239-41,239,243 gives the same sequence; the c. name uses the placement nearest the transcript's 3' end. VCF-style (leftmost placement, unchanged base first): chr3-41239238-T-TATCC. GRCh37 (hg19) VCF-style: chr3-41280729-T-TATCC.
Other names: c.2223_2226dup, p.Val743fs (NM_001330729.2); c.2244_2247dup, p.Val750fs (NM_001098209.2, NM_001098210.2); short protein forms V743fs, V750fs.
Identifiers: ClinVar variation 1316020 (VCV001316020.2), dbSNP rs2125653629, ClinGen allele CA2573052170.

ClinVar aggregate classification (germline): Uncertain significance (1 of 4 stars; one submission).

Submission:

GeneDx
Classification: Uncertain significance. Last evaluated: 2019-12-13. Review status: criteria provided, single submitter. Criteria: GeneDx Variant Classification Process June 2021. Collection method: clinical testing. Allele origin: germline. Affected: yes.
Comment: Not observed in large population cohorts (Lek et al., 2016); Frameshift variant predicted to result in protein truncation as the last 32 amino acids are lost and replaced with 2 incorrect amino acids, although loss-of-function variants have not been reported downstream of this position in the protein; Has not been previously published as pathogenic or benign to our knowledge